The following is an entry in ClinVar:

ClinVar aggregate classification (germline): Uncertain significance (1 of 4 stars; one submission).

Allele frequency attached by ClinVar (database versions not stated): TOPMed below 0.00001; ExAC 0.00002; ESP Exome Variant Server 0.00008.
gnomAD v4.1: 35 of 1,614,072 alleles (0.0022%); highest among the groups gnomAD compares: East Asian, 0.0045%; no homozygotes.

Submission:

Labcorp Genetics (formerly Invitae), Labcorp
Classification: Uncertain significance. Last evaluated: 2024-10-22. Review status: criteria provided, single submitter. Criteria: Invitae Variant Classification Sherloc (09022015). Collection method: clinical testing. Allele origin: germline.
Comment: This sequence change replaces threonine, which is neutral and polar, with methionine, which is neutral and non-polar, at codon 1011 of the ARFGEF2 protein (p.Thr1011Met). This variant is present in population databases (rs138319848, gnomAD 0.007%). This variant has not been reported in the literature in individuals affected with ARFGEF2-related conditions. ClinVar contains an entry for this variant (Variation ID: 1470014). An algorithm developed to predict the effect of missense changes on protein structure and function (PolyPhen-2) suggests that this variant is likely to be tolerated. In summary, the available evidence is currently insufficient to determine the role of this variant in disease. Therefore, it has been classified as a Variant of Uncertain Significance.

NM_006420.3(ARFGEF2):c.3032C>T (p.Thr1011Met)

Gene: ARFGEF2 (ARF guanine nucleotide exchange factor 2; plus strand). Cytogenetic location: 20q13.13.
Variant type: single nucleotide variant.
Coding change: c.3032C>T on transcript NM_006420.3 (MANE Select); coding-DNA position 3032, C replaced by T.
Protein change: p.Thr1011Met; replaces threonine 1011 with methionine.
Molecular consequence: missense variant.
Genome position (GRCh38, 1-based): chr20:48,994,509, C>T. VCF-style: chr20-48994509-C-T. GRCh37 (hg19) VCF-style: chr20-47611046-C-T.
Other names: short protein forms T1011M.
Identifiers: ClinVar variation 1470014 (VCV001470014.8), dbSNP rs138319848, ClinGen allele CA9898801.